The following is an entry in ClinVar:

ClinVar aggregate classification (germline): Likely benign (1 of 4 stars; one submission).

Allele frequency attached by ClinVar (database versions not stated): 1000 Genomes Project 30x 0.00047; 1000 Genomes Project 0.00060; TOPMed 0.00261; ExAC 0.00297; gnomAD 0.00351; ESP Exome Variant Server 0.00385; gnomAD exomes 0.00510.
gnomAD v4.1: 7,938 of 1,614,106 alleles (0.49%); highest among the groups gnomAD compares: Non-Finnish European, 0.58%; 45 homozygotes.

Submission:

CeGaT Center for Human Genetics Tuebingen
Classification: Likely benign. Last evaluated: 2023-04-01. Review status: criteria provided, single submitter. Criteria: CeGaT Center For Human Genetics Tuebingen Variant Classification Criteria Version 2. Collection method: clinical testing. Allele origin: germline. Affected: yes. Observed: 4 variant alleles.
Comment: DNAH3: BP4, BP7, BS2

NM_001347886.2(DNAH3):c.7338C>T (p.Ala2446=)

Gene: DNAH3 (dynein axonemal heavy chain 3; minus strand). Cytogenetic location: 16p12.3.
Variant type: single nucleotide variant.
Coding change: c.7338C>T on transcript NM_001347886.2 (MANE Select); coding-DNA position 7338, C replaced by T.
Protein change: p.Ala2446=; no amino-acid change (alanine 2446 retained).
Molecular consequence: synonymous variant.
Genome position (GRCh38, 1-based): chr16:20,985,266, G>A on the plus strand (C>T on the coding strand, the complement: DNAH3 is on the minus strand). VCF-style: chr16-20985266-G-A. GRCh37 (hg19) VCF-style: chr16-20996588-G-A.
Other names: c.7476C>T, p.Ala2492= (NM_017539.2).
Identifiers: ClinVar variation 2646295 (VCV002646295.24), dbSNP rs149829197, ClinGen allele CA7946793.